The following is an entry in ClinVar:

NM_001144967.3(NEDD4L):c.1816A>G (p.Lys606Glu)

Gene: NEDD4L (NEDD4 like E3 ubiquitin protein ligase; plus strand). Cytogenetic location: 18q21.31.
Variant type: single nucleotide variant.
Coding change: c.1816A>G on transcript NM_001144967.3 (MANE Select); coding-DNA position 1816, A replaced by G.
Protein change: p.Lys606Glu; replaces lysine 606 with glutamic acid.
Molecular consequence: missense variant.
Genome position (GRCh38, 1-based): chr18:58,364,316, A>G. VCF-style: chr18-58364316-A-G. GRCh37 (hg19) VCF-style: chr18-56031548-A-G.
Other names: c.1453A>G, p.Lys485Glu (NM_001144964.1, NM_001144965.2, NM_001144966.3); c.1792A>G, p.Lys598Glu (NM_001144968.2); c.1732A>G, p.Lys578Glu (NM_001144969.2); c.1393A>G, p.Lys465Glu (NM_001144970.3, NM_001144971.2); c.1624A>G, p.Lys542Glu (NM_001243960.2); c.1756A>G, p.Lys586Glu (NM_015277.6); short protein forms K465E, K485E, K542E, K578E, K586E, K598E, K606E.
Identifiers: ClinVar variation 3364263 (VCV003364263.1).

ClinVar aggregate classification (germline): Uncertain significance (1 of 4 stars; one submission).

Submission:

GeneDx
Classification: Uncertain significance. Last evaluated: 2023-11-14. Review status: criteria provided, single submitter. Criteria: GeneDx Variant Classification Process June 2021. Collection method: clinical testing. Allele origin: germline. Affected: yes.
Comment: Not observed at significant frequency in large population cohorts (gnomAD); In silico analysis supports that this missense variant does not alter protein structure/function; Has not been previously published as pathogenic or benign to our knowledge